The following is an entry in ClinVar:

NM_006348.5(COG5):c.-2A>C

Gene: COG5 (component of oligomeric golgi complex 5; minus strand). Cytogenetic location: 7q22.3.
Variant type: single nucleotide variant.
Coding change: c.-2A>C on transcript NM_006348.5 (MANE Select); 2 bases upstream of the start codon, A replaced by C.
Molecular consequence: 5 prime UTR variant.
Genome position (GRCh38, 1-based): chr7:107,563,898, T>G on the plus strand (A>C on the coding strand, the complement: COG5 is on the minus strand). VCF-style: chr7-107563898-T-G. GRCh37 (hg19) VCF-style: chr7-107204343-T-G.
Other names: c.-2A>C (NM_001161520.2, NM_001379511.1, NM_001379512.1 and 5 more transcripts).
Identifiers: ClinVar variation 2154808 (VCV002154808.4), dbSNP rs569097065, ClinGen allele CA4431597.
Genomic context (GRCh38, chr7:107,563,898, plus strand): 5'-GCTCCAGAGCCTCGAGCTCCGAGGCCAGCTACAGCGACGCTGCCGCCGCCACCTTCCATG[T>G]TGGCAGGTGCCGGGTTGATGTCGTCAGCAGCAGAACGGCTCCGCCCAGGTGGTGACGCAG-3'

ClinVar aggregate classification (germline): Uncertain significance (1 of 4 stars; one submission).

Conditions:
COG5-congenital disorder of glycosylation. Also called: CDG IIi; CONGENITAL DISORDER OF GLYCOSYLATION, TYPE IIi; COG5-CDG. Identifiers: Orphanet 263487, MedGen C3150876, MONDO:0013325, OMIM 613612.

Allele frequency attached by ClinVar (database versions not stated): gnomAD exomes below 0.00001; gnomAD 0.00003; ExAC 0.00004; 1000 Genomes Project 30x 0.00062; 1000 Genomes Project 0.00080.
gnomAD v4.1: 7 of 1,613,728 alleles (0.00043%); highest among the groups gnomAD compares: East Asian, 0.016%; no homozygotes.

Submission:

Labcorp Genetics (formerly Invitae), Labcorp
Classification: Uncertain significance for COG5-congenital disorder of glycosylation. Last evaluated: 2022-08-02. Review status: criteria provided, single submitter. Criteria: Invitae Variant Classification Sherloc (09022015). Collection method: clinical testing. Allele origin: germline.
Comment: In summary, the available evidence is currently insufficient to determine the role of this variant in disease. Therefore, it has been classified as a Variant of Uncertain Significance. Algorithms developed to predict the effect of missense changes on protein structure and function are either unavailable or do not agree on the potential impact of this missense change (SIFT: "Deleterious"; PolyPhen-2: "Benign"; Align-GVGD: "Class C0"). This variant has not been reported in the literature in individuals affected with COG5-related conditions. This variant is present in population databases (rs569097065, gnomAD 0.02%). This sequence change replaces asparagine, which is neutral and polar, with threonine, which is neutral and polar, at codon 31 of the COG5 protein (p.Asn31Thr).